The following is an entry in ClinVar:

NM_001673.5(ASNS):c.595G>A (p.Val199Met)

Genes: ASNS (asparagine synthetase (glutamine-hydrolyzing); minus strand), CZ1P-ASNS (CZ1P-ASNS readthrough; minus strand). Cytogenetic location: 7q21.3.
Variant type: single nucleotide variant.
Coding change: c.595G>A on transcript NM_001673.5 (MANE Select); coding-DNA position 595, G replaced by A.
Protein change: p.Val199Met; replaces valine 199 with methionine.
Molecular consequence: missense variant. On other transcripts: non-coding transcript variant (1).
Genome position (GRCh38, 1-based): chr7:97,859,291, C>T on the plus strand (G>A on the coding strand, the complement: ASNS is on the minus strand). VCF-style: chr7-97859291-C-T. GRCh37 (hg19) VCF-style: chr7-97488603-C-T.
Other names: c.532G>A, p.Val178Met (NM_001178075.2); c.346G>A, p.Val116Met (NM_001178076.2, NM_001178077.1); c.595G>A, p.Val199Met (NM_001352496.2, NM_133436.3, NM_183356.4); short protein forms V116M, V199M, V178M.
Identifiers: ClinVar variation 2156531 (VCV002156531.1), dbSNP rs772206435, ClinGen allele CA163031061.
Genomic context (GRCh38, chr7:97,859,291, plus strand): 5'-CATTGTCATAGAGGGCGTGCAGGGGTACATCCCGACAGTGATGATATTTAACCATTTCCA[C>T]GGATGCAACTTTGCCATTTGGCTTTAAATCCAAAACTTCATAGTGTCCAGGAAGAAAAGG-3'
Protein context (NP_001664.3, residues 189-209): DLKPNGKVAS[Val199Met]EMVKYHHCRD

ClinVar aggregate classification (germline): Uncertain significance (1 of 4 stars; one submission).

Allele frequency attached by ClinVar (database versions not stated): gnomAD 0.00002.
gnomAD v4.1: 18 of 1,613,994 alleles (0.0011%); highest among the groups gnomAD compares: African/African-American, 0.0027%; no homozygotes.

Submission:

Labcorp Genetics (formerly Invitae), Labcorp
Classification: Uncertain significance. Last evaluated: 2022-08-03. Review status: criteria provided, single submitter. Criteria: Invitae Variant Classification Sherloc (09022015). Collection method: clinical testing. Allele origin: germline.
Comment: This sequence change replaces valine, which is neutral and non-polar, with methionine, which is neutral and non-polar, at codon 199 of the ASNS protein (p.Val199Met). This variant is not present in population databases (gnomAD no frequency). This variant has not been reported in the literature in individuals affected with ASNS-related conditions. Advanced modeling of protein sequence and biophysical properties (such as structural, functional, and spatial information, amino acid conservation, physicochemical variation, residue mobility, and thermodynamic stability) performed at Invitae indicates that this missense variant is expected to disrupt ASNS protein function. In summary, the available evidence is currently insufficient to determine the role of this variant in disease. Therefore, it has been classified as a Variant of Uncertain Significance.